The following is an entry in ClinVar:

NM_001282531.3(ADNP):c.1134T>G (p.Tyr378Ter)

Gene: ADNP (activity dependent neuroprotector homeobox; minus strand). Cytogenetic location: 20q13.13.
Variant type: single nucleotide variant.
Coding change: c.1134T>G on transcript NM_001282531.3 (MANE Select); coding-DNA position 1134, T replaced by G.
Protein change: p.Tyr378Ter; replaces tyrosine 378 with a stop codon.
Molecular consequence: nonsense.
Genome position (GRCh38, 1-based): chr20:50,893,580, A>C on the plus strand (T>G on the coding strand, the complement: ADNP is on the minus strand). VCF-style: chr20-50893580-A-C. GRCh37 (hg19) VCF-style: chr20-49510117-A-C.
Other names: c.1134T>G, p.Tyr378Ter (NM_001282532.2, NM_001347511.2, NM_015339.5 and 1 more transcripts); short protein forms Y378*.
Identifiers: ClinVar variation 3340566 (VCV003340566.3).

ClinVar aggregate classification (germline): Pathogenic. Review status: criteria provided, multiple submitters, no conflicts (2 of 4 stars). 2 submissions from 2 submitters: Pathogenic (2). Last evaluated 2026-01-09.

Conditions:
ADNP-related multiple congenital anomalies - intellectual disability - autism spectrum disorder. Also called: Helsmoortel-Van der Aa Syndrome; ADNP-Related Helsmoortel-Van der Aa Syndrome. Identifiers: Orphanet 404448, MedGen C4014538, MONDO:0014379, OMIM 615873. Disease mechanism: loss of function.

Submissions (2):

Variantyx, Inc.
Classification: Pathogenic for ADNP-related multiple congenital anomalies - intellectual disability - autism spectrum disorder. Last evaluated: 2026-01-09. Review status: criteria provided, single submitter. Criteria: Variantyx Assertion Criteria 2022. Collection method: clinical testing. Allele origin: de novo. Inheritance: Autosomal dominant inheritance. Affected: yes.
Comment: This is a nonsense variant in the ADNP gene (OMIM: 611386). Pathogenic variants in this gene have been associated with autosomal dominant Helsmoortel-van der Aa syndrome. The alteration introduces a premature termination codon in exon 6 out of 6and is expected to result in loss of function, which is a known disease mechanism for ADNP in this disorder (PMID: 29724491, 30106381, 24531329, 25533962, 29724491,29911927) (PVS1). This variant has been reported in the heterozygous state in at least one affected individual (PMID:29724491), while it is absent from control populations (PM2). Based on the current evidence, this variant is classified as pathogenic for autosomal dominant Helsmoortel-van der Aa syndrome.

GeneDx
Classification: Pathogenic. Last evaluated: 2025-03-13. Review status: criteria provided, single submitter. Criteria: GeneDx Variant Classification Process June 2021. Collection method: clinical testing. Allele origin: germline.
Comment: Nonsense variant predicted to result in protein truncation, as the last 725 amino acids are lost, and other loss-of-function variants have been reported downstream in HGMD; Not observed at significant frequency in large population cohorts (gnomAD); Observed in an individual with ADNP-related neurodevelopmental disorder with multiple anomalies in published literature (PMID: 29724491); This variant is associated with the following publications: (PMID: 29911927, 35982159, 33057194, 29724491)

Literature cited by the submitters: PubMed 29724491 (cited by Variantyx, Inc.); PubMed 30106381 (cited by Variantyx, Inc.); PubMed 24531329 (cited by Variantyx, Inc.); PubMed 25533962 (cited by Variantyx, Inc.).